The following is an entry in ClinVar:

NM_001099922.3(ALG13):c.410A>G (p.Lys137Arg)

Gene: ALG13 (ALG13 UDP-N-acetylglucosaminyltransferase subunit; plus strand). Cytogenetic location: Xq23.
Variant type: single nucleotide variant.
Coding change: c.410A>G on transcript NM_001099922.3 (MANE Select); coding-DNA position 410, A replaced by G.
Protein change: p.Lys137Arg; replaces lysine 137 with arginine.
Molecular consequence: missense variant. On other transcripts: non-coding transcript variant (1).
Genome position (GRCh38, 1-based): chrX:111,708,053, A>G. VCF-style: chrX-111708053-A-G. GRCh37 (hg19) VCF-style: chrX-110951281-A-G.
Other names: c.98A>G, p.Lys33Arg (NM_001257230.2, NM_001257234.2, NM_001257237.2 and 1 more transcripts); c.176A>G, p.Lys59Arg (NM_001257231.2); c.410A>G, p.Lys137Arg (NM_001324292.2); short protein forms K137R, K59R, K33R.
Identifiers: ClinVar variation 2718956 (VCV002718956.3), dbSNP rs1393707241, ClinGen allele CA414249250.
Genomic context (GRCh38, chrX:111,708,053, plus strand): 5'-CTAGGAGGATTGGCTCTTCCTCTTCTTTTCACAGGGTCCTGACTTGTCCTGGGCAAGCCA[A>G]GTCCATTGCTTCTGCTCCTGGGAAGTGCCAAGATTCTGCAGCGCTGACTTCAACTGCCTT-3'
Protein context (NP_001093392.1, residues 127-147): CRVLTCPGQA[Lys137Arg]SIASAPGKCQ

ClinVar aggregate classification (germline): Uncertain significance (1 of 4 stars; one submission).

Conditions:
Developmental and epileptic encephalopathy, 36 (DEE36). Also called: Epileptic encephalopathy, early infantile, 36; ALG13-CDG; Congenital disorder of glycosylation, type Is. Identifiers: Orphanet 324422, MedGen C4317295, MONDO:0010472, OMIM 300884.

Allele frequency attached by ClinVar (database versions not stated): gnomAD 0.00001; TOPMed 0.00001.
gnomAD v4.1: 1 of 1,208,301 alleles (0.000083%); highest among the groups gnomAD compares: African/African-American, 0.0018%; no homozygotes.

Submission:

Labcorp Genetics (formerly Invitae), Labcorp
Classification: Uncertain significance for Developmental and epileptic encephalopathy, 36. Last evaluated: 2024-02-05. Review status: criteria provided, single submitter. Criteria: Invitae Variant Classification Sherloc (09022015). Collection method: clinical testing. Allele origin: germline.
Comment: This sequence change replaces lysine, which is basic and polar, with arginine, which is basic and polar, at codon 137 of the ALG13 protein (p.Lys137Arg). This variant is not present in population databases (gnomAD no frequency). This variant has not been reported in the literature in individuals affected with ALG13-related conditions. An algorithm developed to predict the effect of missense changes on protein structure and function (PolyPhen-2) suggests that this variant is likely to be tolerated. In summary, the available evidence is currently insufficient to determine the role of this variant in disease. Therefore, it has been classified as a Variant of Uncertain Significance.